The following is an entry in ClinVar:

NM_001080517.3(SETD5):c.3711C>A (p.Tyr1237Ter)

Gene: SETD5 (SET domain containing 5; plus strand). Cytogenetic location: 3p25.3.
Variant type: single nucleotide variant.
Coding change: c.3711C>A on transcript NM_001080517.3 (MANE Select); coding-DNA position 3711, C replaced by A.
Protein change: p.Tyr1237Ter; replaces tyrosine 1237 with a stop codon.
Molecular consequence: nonsense.
Genome position (GRCh38, 1-based): chr3:9,475,147, C>A. VCF-style: chr3-9475147-C-A. GRCh37 (hg19) VCF-style: chr3-9516831-C-A.
Other names: c.3417C>A, p.Tyr1139Ter (NM_001292043.2, NM_001349451.2); short protein forms Y1139*, Y1237*.
Identifiers: ClinVar variation 3361346 (VCV003361346.2).
Genomic context (GRCh38, chr3:9,475,147, plus strand): 5'-CCCAGAGACATTAAGCTCAGCACTCTCTAAAGGAGCAACAGTTTACAGCCCTTCCAGATA[C>A]AGCTACCAGGTGAGATGAGAAATTGCTGGTCTCTAGCCATAGGAGTGTGTTCTGGGTCCC-3'

ClinVar aggregate classification (germline): Likely pathogenic (1 of 4 stars; one submission).

Submission:

GeneDx
Classification: Likely pathogenic. Last evaluated: 2026-05-02. Review status: criteria provided, single submitter. Criteria: GeneDx Variant Classification Process June 2021. Collection method: clinical testing. Allele origin: germline.
Comment: Nonsense variant predicted to result in protein truncation, as the last 206 amino acids are lost, and other loss-of-function variants have been reported downstream in HGMD; Not observed at significant frequency in large population cohorts (gnomAD); Has not been previously published as pathogenic or benign to our knowledge